The following is an entry in ClinVar:

NM_007294.4(BRCA1):c.5266dup (p.Gln1756fs)

Gene: BRCA1 (BRCA1 DNA repair associated; minus strand). Cytogenetic location: 17q21.31.
Variant type: Duplication.
Coding change: c.5266dup on transcript NM_007294.4 (MANE Select); coding-DNA position 5266, one base duplicated (C; older notation c.5266dupC).
Protein change: p.Gln1756fs; shifts the reading frame from glutamine 1756.
Molecular consequence: frameshift variant. On other transcripts: non-coding transcript variant (1).
Genome position (GRCh38, 1-based): chr17:43,057,063, G duplicated on the plus strand (C on the coding strand, the reverse complement: BRCA1 is on the minus strand); the first of 3 consecutive G bases (chr17:43,057,063-43,057,065); duplicating any one gives the same sequence. VCF-style (leftmost placement, unchanged base first): chr17-43057062-T-TG. GRCh37 (hg19) VCF-style: chr17-41209079-T-TG.
Other names: 5382_5383insC; p.Gln1756ProfsX74; NP_009225.1:p.Gln1756ProfsTer74; p.(Gln1756ProfsTer74); 5382insC; 5384insC; 5385insC; 5383insC; and 85 more; short protein forms Q1756fs, Q1777fs, Q652fs, Q1709fs.
Identifiers: ClinVar variation 17677 (VCV000017677.178), dbSNP rs80357906, ClinGen allele CA003404.

ClinVar aggregate classification (germline): Pathogenic. Review status: reviewed by expert panel (3 of 4 stars). 101 submissions from 92 submitters: Pathogenic (1). 100 of the submissions do not count toward it. Last evaluated 2016-04-22.

Conditions:
Inherited breast cancer and ovarian cancer.
Inherited ovarian cancer (without breast cancer).
BRCA1-related cancer predisposition. Identifiers: MedGen CN377757, MONDO:0700268.
BRCA1-related disorder. Also called: BRCA1-related condition.
Breast-ovarian cancer, familial, susceptibility to, 1 (BROVCA1). Also called: BRCA1 Hereditary Breast and Ovarian Cancer; OVARIAN CANCER, SUSCEPTIBILITY TO. Identifiers: Orphanet 145, MedGen C2676676, MONDO:0011450, OMIM 604370. Disease mechanism: loss of function.
Fanconi anemia, complementation group S (FANCS). Identifiers: MedGen C4554406, MONDO:0054748, OMIM 617883.
Pancreatic cancer, susceptibility to, 4. Identifiers: Orphanet 1333, MedGen C3280442, MONDO:0013685, OMIM 614320.
Punctate palmoplantar keratoderma type 2 (PPKP2). Also called: PALMOPLANTAR KERATODERMA, PUNCTATE TYPE II. Identifiers: Orphanet 79502, MedGen C1867982, MONDO:0008292, OMIM 175860.
Breast and/or ovarian cancer. Identifiers: MedGen CN221562.
Hereditary cancer-predisposing syndrome. Also called: Neoplastic Syndromes, Hereditary; Tumor predisposition; Hereditary Cancer Syndrome; Hereditary neoplastic syndrome. Identifiers: Orphanet 140162, MedGen C0027672, MeSH D009386, MONDO:0015356.
Breast neoplasm. Also called: Neoplasm of the breast; Neoplasm of breast; Breast tumor; Breast Neoplasms. Identifiers: MedGen C1458155, MeSH D001943, MONDO:0021100, HP:0100013. Disease mechanism: gain of function.
Hereditary breast ovarian cancer syndrome. Also called: Hereditary breast and ovarian cancer; Hereditary breast and ovarian cancer syndrome; Hereditary breast and ovarian cancer syndrome (HBOC); Hereditary breast and/or ovarian cancer syndrome; Breast and ovarian cancer; BRCA1- and BRCA2-Associated Hereditary Breast and Ovarian Cancer. Identifiers: Orphanet 145, MedGen C0677776, MeSH D061325, MONDO:0003582. Disease mechanism: loss of function.
Ovarian neoplasm. Also called: Ovarian tumor; Ovarian Neoplasms; Neoplasm of ovary. Identifiers: MedGen C0919267, MeSH D010051, MONDO:0021068, HP:0100615.
Pancreatic cancer, susceptibility to. Identifiers: MedGen C3469525.
Endometrial carcinoma. Also called: Endometrial carcinoma, somatic. Identifiers: MedGen C0476089, MONDO:0002447, OMIM 608089, HP:0012114.
Familial cancer of breast. Also called: Hereditary breast cancer; BREAST CANCER, FAMILIAL; hereditary breast carcinoma. Identifiers: Orphanet 227535, MedGen C0346153, MONDO:0016419, OMIM 114480. Disease mechanism: loss of function.
Malignant tumor of breast. Also called: Malignant breast neoplasm; Cancer breast. Identifiers: MedGen C0006142, MONDO:0007254. Disease mechanism: loss of function.

Submissions 1 to 11 of 101:

Evidence-based Network for the Interpretation of Germline Mutant Alleles (ENIGMA)
Classification: Pathogenic for Breast-ovarian cancer, familial, susceptibility to, 1. Last evaluated: 2016-04-22. Review status: reviewed by expert panel. Criteria: ENIGMA BRCA1/2 Classification Criteria (2015). Collection method: curation. Allele origin: germline.
Comment: Variant allele predicted to encode a truncated non-functional protein.

Hema, HEMA – Genetic and Molecular Diagnostic Laboratory
Classification: Pathogenic for BRCA1-related cancer predisposition. Last evaluated: 2026-09-14. Review status: criteria provided, single submitter. Criteria: HEMA Variant Classification Assertion Criteria. Collection method: clinical testing. Allele origin: germline. Not counted in ClinVar's aggregate classification.
Comment: The c.5266dup (p.Gln1756fs) variant, traditionally referred to as 5382insC, is a duplication of a guanine nucleotide that results in a frameshift in BRCA1. PVS1: Null variant (frameshift) in a gene for which loss of function is a known disease mechanism. The c.5266dup variant in the BRCA1 gene is a frameshift variant in codon 19/23 that introduces a premature stop codon in exon 23/23. Although it escapes NMD, it affects an essential region of BRCA1. PS4: The prevalence of the variant in breast cancer cases is significantly higher than in controls (OR = 7.8075, 95% CI: 4.1846-14.5671, p < 0.0001) (PMID: 33471991). PM5_Strong: Variant that results in a premature stop codon upstream of codon 1854 in exon 23.

Institute of Human Genetics, University of Leipzig Medical Center
Classification: Pathogenic for Familial cancer of breast. Last evaluated: 2026-07-27. Review status: criteria provided, single submitter. Criteria: ACMG Guidelines, 2015. Collection method: clinical testing. Allele origin: unknown. Inheritance: Autosomal dominant inheritance. Affected: yes. Not counted in ClinVar's aggregate classification.
Comment: Criteria applied: PVS1,PP4_VSTR,PM5_STR

CeGaT Center for Human Genetics Tuebingen
Classification: Pathogenic. Last evaluated: 2026-07-01. Review status: criteria provided, single submitter. Criteria: CeGaT Center For Human Genetics Tuebingen Variant Classification Criteria Version 2. Collection method: clinical testing. Allele origin: germline. Affected: yes. Observed: 34 variant alleles. Not counted in ClinVar's aggregate classification.
Comment: BRCA1: PVS1, PS4

Institute of Human Genetics, Heidelberg University
Classification: Pathogenic for Breast-ovarian cancer, familial, susceptibility to, 1. Last evaluated: 2026-06-29. Review status: criteria provided, single submitter. Criteria: ACMG Guidelines, 2015. Collection method: clinical testing. Allele origin: unknown. Observed: 1 variant allele. Not counted in ClinVar's aggregate classification.
Comment: PVS1, PM2_sup, PS4

PreventionGenetics, part of Exact Sciences
Classification: Pathogenic for BRCA1-related condition. Last evaluated: 2026-06-25. Review status: criteria provided, single submitter. Criteria: ACMG Guidelines, 2015. Collection method: clinical testing. Allele origin: germline. Not counted in ClinVar's aggregate classification.
Comment: The BRCA1 c.5266dupC variant is predicted to result in a frameshift and premature protein termination (p.Gln1756Profs*74). This variant (also described as 5382insC, 5385insC, or 5329dupC) has been reported in multiple individuals with autosomal dominant hereditary breast and ovarian cancer syndrome (HBOC) (OMIM #604370; Bogdanova et al. 2010. PubMed ID: 20569256; Alemar et al. 2016. PubMed ID: 27425403; Azzollini et al. 2016. PubMed ID: 27062684; Hamel et al. 2011. PubMed ID: 21119707). It is a founder variant in the Ashkenazi Jewish population and is reported in 0.23% of alleles in individuals of Ashkenazi Jewish descent in gnomAD. It is interpreted as pathogenic in ClinVar (Variation ID: 17677). Frameshift variants in BRCA1 are expected to be pathogenic. In summary, this variant is interpreted as pathogenic.

Genetics Laboratory, Great Ormond Street Hospital NHS Foundation Trust, North Thames Genomic Laboratory Hub
Classification: Pathogenic for Inherited breast cancer and ovarian cancer. Last evaluated: 2026-05-08. Review status: criteria provided, single submitter. Criteria: CanVIG BRCA Gene Specific V1.22. Collection method: clinical testing. Allele origin: germline. Affected: yes. Not counted in ClinVar's aggregate classification.
Comment: PS4_very-strong, PVS1_very-strong, PM5_strong, PP1_strong

Labcorp Genetics (formerly Invitae), Labcorp
Classification: Pathogenic for Hereditary breast ovarian cancer syndrome. Last evaluated: 2026-02-03. Review status: criteria provided, single submitter. Criteria: Invitae Variant Classification Sherloc (09022015). Collection method: clinical testing. Allele origin: germline. Not counted in ClinVar's aggregate classification.
Comment: This sequence change creates a premature translational stop signal (p.Gln1756Profs*74) in the BRCA1 gene. While this is not anticipated to result in nonsense mediated decay, it is expected to disrupt the last 108 amino acid(s) of the BRCA1 protein. This variant is present in population databases (rs397507247, gnomAD 0.2%), and has an allele count higher than expected for a pathogenic variant. This premature translational stop signal has been observed in individual(s) with breast and ovarian cancer. It is commonly reported in individuals of Ashkenazi Jewish ancestry (PMID: 9042909, 22185575, 22430266). This variant is also known as 5382insC and 5385insC. ClinVar contains an entry for this variant (Variation ID: 17677). This variant has been associated with a 67% to 89% risk of breast cancer by age 70, and a 33% to 42% risk of ovarian cancer by age 70 (PMID: 15994883, 22430266). This variant disrupts a region of the BRCA1 protein in which other variant(s) (Deletion (Exon 23)) have been determined to be pathogenic (PMID: 18431737, 24825132, 25428789; internal data). This suggests that this is a clinically significant region of the protein, and that variants that disrupt it are likely to be disease-causing. For these reasons, this variant has been classified as Pathogenic.

Institute of Human Genetics, University of Leipzig Medical Center
Classification: Pathogenic for Breast-ovarian cancer, familial, susceptibility to, 1. Last evaluated: 2026-01-26. Review status: criteria provided, single submitter. Criteria: ACMG Guidelines, 2015. Collection method: clinical testing. Allele origin: unknown. Inheritance: Autosomal dominant inheritance. Affected: yes. Not counted in ClinVar's aggregate classification.
Comment: Criteria applied: PVS1,PS4,PM5_STR

Genetics Laboratory, Great Ormond Street Hospital NHS Foundation Trust, North Thames Genomic Laboratory Hub
Classification: Pathogenic for Inherited ovarian cancer (without breast cancer). Last evaluated: 2026-01-20. Review status: criteria provided, single submitter. Criteria: CanVIG BRCA Gene Specific V1.22. Collection method: clinical testing. Allele origin: germline. Affected: yes. Not counted in ClinVar's aggregate classification.
Comment: PS4_strong, PVS1_very-strong, PP1_strong

Praxis Für Humangenetik, Biosciencia MVZ Labor Saar
Classification: Pathogenic for Hereditary cancer-predisposing syndrome. Last evaluated: 2026-01-15. Review status: criteria provided, single submitter. Criteria: ACMG Guidelines, 2015. Collection method: clinical testing. Allele origin: germline. Not counted in ClinVar's aggregate classification.
Comment: PVS1, PS4, PM2